The following is an entry in ClinVar:

NM_022489.4(INF2):c.1647A>G (p.Ala549=)

Gene: INF2 (inverted formin 2; plus strand). Cytogenetic location: 14q32.33.
Variant type: single nucleotide variant.
Coding change: c.1647A>G on transcript NM_022489.4 (MANE Select); coding-DNA position 1647, A replaced by G.
Protein change: p.Ala549=; no amino-acid change (alanine 549 retained).
Molecular consequence: synonymous variant.
Genome position (GRCh38, 1-based): chr14:104,707,914, A>G. VCF-style: chr14-104707914-A-G. GRCh37 (hg19) VCF-style: chr14-105174251-A-G.
Other names: p.Ala549=; c.1647A>G, p.Ala549= (NM_001031714.4).
Identifiers: ClinVar variation 312691 (VCV000312691.23), dbSNP rs201674759, ClinGen allele CA7372613.
Genomic context (GRCh38, chr14:104,707,914, plus strand): 5'-CGTGGCGGGAGGCATGGAGGAGGTCATCGTGGCCCAGGTGGACCATGGCTTGGGCTCAGC[A>G]TGGGTCCCCAGCCATCGGCGGGTGAACCCACCCACACTGCGCATGAAGAAGCTGAACTGG-3'
Protein context (NP_071934.3, residues 539-559): VAQVDHGLGS[Ala549=]WVPSHRRVNP

ClinVar aggregate classification (germline): Benign/Likely benign. Review status: criteria provided, multiple submitters, no conflicts (2 of 4 stars). 6 submissions from 6 submitters: Benign (4); Likely benign (2). Last evaluated 2025-12-30.

Conditions:
Focal segmental glomerulosclerosis 5 (FSGS5). Identifiers: Orphanet 656, MedGen C2750475, MONDO:0013191, OMIM 613237.
Charcot-Marie-Tooth disease dominant intermediate E. Also called: CHARCOT-MARIE-TOOTH NEUROPATHY WITH FOCAL SEGMENTAL GLOMERULONEPHRITIS. Identifiers: Orphanet 93114, MedGen C4302667, MONDO:0013758, OMIM 614455.
Inborn genetic diseases. Identifiers: MedGen C0950123, MeSH D030342.

Allele frequency attached by ClinVar (database versions not stated): TOPMed 0.00007; ESP Exome Variant Server 0.00016; 1000 Genomes Project 30x 0.00031; 1000 Genomes Project 0.00040; gnomAD exomes 0.00059 and 0.00137; gnomAD 0.00134 and 0.00143; ExAC 0.00182.
gnomAD v4.1: 1,068 of 1,602,650 alleles (0.067%); highest among the groups gnomAD compares: Non-Finnish European, 0.012%; 13 homozygotes.

Submissions (6):

Labcorp Genetics (formerly Invitae), Labcorp
Classification: Benign for Charcot-Marie-Tooth disease dominant intermediate E; Focal segmental glomerulosclerosis 5. Last evaluated: 2025-12-30. Review status: criteria provided, single submitter. Criteria: Invitae Variant Classification Sherloc (09022015). Collection method: clinical testing. Allele origin: germline.

Blueprint Genetics
Classification: Likely benign. Last evaluated: 2024-11-08. Review status: criteria provided, single submitter. Criteria: ACMG Guidelines, 2015. Collection method: clinical testing. Allele origin: germline.

Mayo Clinic Laboratories, Mayo Clinic
Classification: Benign. Last evaluated: 2024-05-28. Review status: criteria provided, single submitter. Criteria: ACMG Guidelines, 2015. Collection method: clinical testing. Allele origin: germline. Observed: 2 variant alleles.
Comment: BS1, BS2, BP4, BP7

Ambry Genetics
Classification: Likely benign for Inborn genetic diseases. Last evaluated: 2019-07-11. Review status: criteria provided, single submitter. Criteria: Ambry Variant Classification Scheme 2023. Collection method: clinical testing. Allele origin: germline.

ARUP Laboratories, Molecular Genetics and Genomics, ARUP Laboratories
Classification: Benign. Last evaluated: 2019-04-19. Review status: criteria provided, single submitter. Criteria: ARUP Molecular Germline Variant Investigation Process. Collection method: clinical testing. Allele origin: germline.

Illumina Laboratory Services, Illumina
Classification: Benign for Focal segmental glomerulosclerosis 5. Last evaluated: 2018-01-13. Review status: criteria provided, single submitter. Criteria: ICSL Variant Classification Criteria 13 December 2019. Collection method: clinical testing. Allele origin: germline.
Comment: This variant was observed in the ICSL laboratory as part of a predisposition screen in an ostensibly healthy population. It had not been previously curated by ICSL or reported in the Human Gene Mutation Database (HGMD: prior to June 1st, 2018), and was therefore a candidate for classification through an automated scoring system. Utilizing variant allele frequency, disease prevalence and penetrance estimates, and inheritance mode, an automated score was calculated to assess if this variant is too frequent to cause the disease. Based on the score and internal cut-off values, a variant classified as benign is not then subjected to further curation. The score for this variant resulted in a classification of benign for this disease.